The following is an entry in ClinVar:

ClinVar aggregate classification (germline): Pathogenic. Review status: reviewed by expert panel (3 of 4 stars). 10 submissions from 10 submitters: Pathogenic (1). 9 of the submissions do not count toward it. Last evaluated 2016-09-08.

Conditions:
Fanconi anemia, complementation group S (FANCS). Identifiers: MedGen C4554406, MONDO:0054748, OMIM 617883.
Breast-ovarian cancer, familial, susceptibility to, 1 (BROVCA1). Also called: OVARIAN CANCER, SUSCEPTIBILITY TO; BRCA1 Hereditary Breast and Ovarian Cancer. Identifiers: Orphanet 145, MedGen C2676676, MONDO:0011450, OMIM 604370. Disease mechanism: loss of function.
Pancreatic cancer, susceptibility to, 4. Identifiers: Orphanet 1333, MedGen C3280442, MONDO:0013685, OMIM 614320.
Hereditary cancer-predisposing syndrome. Also called: Neoplastic Syndromes, Hereditary; Tumor predisposition; Hereditary Cancer Syndrome; Hereditary neoplastic syndrome. Identifiers: Orphanet 140162, MedGen C0027672, MeSH D009386, MONDO:0015356.
Hereditary breast ovarian cancer syndrome. Also called: Hereditary breast and/or ovarian cancer syndrome; Hereditary breast and ovarian cancer syndrome; Hereditary breast and ovarian cancer; Hereditary breast and ovarian cancer syndrome (HBOC); Breast and ovarian cancer; BRCA1- and BRCA2-Associated Hereditary Breast and Ovarian Cancer. Identifiers: Orphanet 145, MedGen C0677776, MeSH D061325, MONDO:0003582. Disease mechanism: loss of function.

Submissions (10):

Evidence-based Network for the Interpretation of Germline Mutant Alleles (ENIGMA)
Classification: Pathogenic for Breast-ovarian cancer, familial, susceptibility to, 1. Last evaluated: 2016-09-08. Review status: reviewed by expert panel. Criteria: ENIGMA BRCA1/2 Classification Criteria (2015). Collection method: curation. Allele origin: germline.
Comment: Variant allele predicted to encode a truncated non-functional protein.

Labcorp Genetics (formerly Invitae), Labcorp
Classification: Pathogenic for Hereditary breast ovarian cancer syndrome. Last evaluated: 2024-08-01. Review status: criteria provided, single submitter. Criteria: Invitae Variant Classification Sherloc (09022015). Collection method: clinical testing. Allele origin: germline. Not counted in ClinVar's aggregate classification.
Comment: This sequence change creates a premature translational stop signal (p.Gln1401*) in the BRCA1 gene. It is expected to result in an absent or disrupted protein product. Loss-of-function variants in BRCA1 are known to be pathogenic (PMID: 20104584). This variant is not present in population databases (gnomAD no frequency). This premature translational stop signal has been observed in individual(s) with personal and/or family history of breast and/or ovarian cancer (PMID: 21120943, 29446198, 30702160, 31825140). ClinVar contains an entry for this variant (Variation ID: 55139). For these reasons, this variant has been classified as Pathogenic.

GeneDx
Classification: Pathogenic. Last evaluated: 2024-07-05. Review status: criteria provided, single submitter. Criteria: GeneDx Variant Classification Process June 2021. Collection method: clinical testing. Allele origin: germline. Affected: yes. Not counted in ClinVar's aggregate classification.
Comment: Nonsense variant predicted to result in protein truncation or nonsense mediated decay in a gene for which loss of function is a known mechanism of disease; Not observed at significant frequency in large population cohorts (gnomAD); Truncating variants in this gene are considered pathogenic by a well-established clinical consortium and/or database; Also known as 4320C>T; This variant is associated with the following publications: (PMID: 21120943, 25525159, 32377563, Ulhaq2023[article], 30702160, 30093976, 29446198, 34072659, 34801929, 31825140, 30875412, 28176296)

Color Diagnostics, LLC DBA Color Health
Classification: Pathogenic for Hereditary cancer-predisposing syndrome. Last evaluated: 2023-10-04. Review status: criteria provided, single submitter. Criteria: ACMG Guidelines, 2015. Collection method: clinical testing. Allele origin: germline. Not counted in ClinVar's aggregate classification.
Comment: This variant changes 1 nucleotide in exon 12 of the BRCA1 gene, creating a premature translation stop signal. This variant is expected to result in an absent or non-functional protein product. This variant has been reported in an individual affected with breast or ovarian cancer and multiple suspected hereditary breast and ovarian cancer families (PMID: 29446198, 30702160, 31825140). This variant has not been identified in the general population by the Genome Aggregation Database (gnomAD). Loss of BRCA1 function is a known mechanism of disease. Based on the available evidence, this variant is classified as Pathogenic.

Ambry Genetics
Classification: Pathogenic for Hereditary cancer-predisposing syndrome. Last evaluated: 2023-09-13. Review status: criteria provided, single submitter. Criteria: Ambry Variant Classification Scheme 2023. Collection method: clinical testing. Allele origin: germline. Not counted in ClinVar's aggregate classification.
Comment: The p.Q1401* pathogenic mutation (also known as c.4201C>T), located in coding exon 11 of the BRCA1 gene, results from a C to T substitution at nucleotide position 4201. This changes the amino acid from a glutamine to a stop codon within coding exon 11. In one study, this alteration was observed in 1/1525 unrelated patients who had BRCA1/2 testing due to a personal and/or family history suspicious for HBOC (Caux-Moncoutier V et al. Hum. Mutat. 2011 Mar;32:325-34). This variant is considered to be rare based on population cohorts in the Genome Aggregation Database (gnomAD). In addition to the clinical data presented in the literature, this alteration is expected to result in loss of function by premature protein truncation or nonsense-mediated mRNA decay. As such, this alteration is interpreted as a disease-causing mutation.

Baylor Genetics
Classification: Pathogenic for Breast-ovarian cancer, familial, susceptibility to, 1. Last evaluated: 2023-04-28. Review status: criteria provided, single submitter. Criteria: ACMG Guidelines, 2015. Collection method: clinical testing. Allele origin: unknown. Not counted in ClinVar's aggregate classification.

Consortium of Investigators of Modifiers of BRCA1/2 (CIMBA), c/o University of Cambridge
Classification: Pathogenic for Breast-ovarian cancer, familial, susceptibility to, 1. Last evaluated: 2015-10-02. Review status: criteria provided, single submitter. Criteria: CIMBA Mutation Classification guidelines May 2016. Collection method: clinical testing. Allele origin: germline. Not counted in ClinVar's aggregate classification.

Juno Genomics, Hangzhou Juno Genomics, Inc
Classification: Pathogenic for Breast-ovarian cancer, familial, susceptibility to, 1; Pancreatic cancer, susceptibility to, 4; Fanconi anemia, complementation group S. Review status: criteria provided, single submitter. Criteria: ACMG Guidelines, 2015. Collection method: clinical testing. Allele origin: germline. Not counted in ClinVar's aggregate classification.
Comment: Absent from controls (or at extremely low frequency if recessive) in Genome Aggregation Database.;Null variant in a gene where loss of function (LOF) is a known mechanism of disease.;Novel missense change at an amino acid residue where a different missense change determined to be pathogenic has been seen before.;The prevalence of the variant in affected individuals is significantly increased compared to the prevalence in controls.

BRCAlab, Lund University
Classification: Pathogenic for Breast-ovarian cancer, familial, susceptibility to, 1. Last evaluated: 2020-03-02. Review status: no assertion criteria provided. Collection method: clinical testing. Allele origin: germline. Affected: yes. Not counted in ClinVar's aggregate classification.

Sharing Clinical Reports Project (SCRP)
Classification: Pathogenic for Breast-ovarian cancer, familial 1. Last evaluated: 2014-01-15. Review status: no assertion criteria provided. Collection method: clinical testing. Allele origin: germline. Not counted in ClinVar's aggregate classification.

Literature cited by the submitters: PubMed 20104584 (cited by Labcorp Genetics (formerly Invitae), Labcorp); PubMed 21120943 (cited by Labcorp Genetics (formerly Invitae), Labcorp and Ambry Genetics); PubMed 29446198 (cited by Labcorp Genetics (formerly Invitae), Labcorp and Color Diagnostics, LLC DBA Color Health); PubMed 30702160 (cited by Labcorp Genetics (formerly Invitae), Labcorp and Color Diagnostics, LLC DBA Color Health); PubMed 31825140 (cited by Labcorp Genetics (formerly Invitae), Labcorp and Color Diagnostics, LLC DBA Color Health).

NM_007294.4(BRCA1):c.4201C>T (p.Gln1401Ter)

Gene: BRCA1 (BRCA1 DNA repair associated; minus strand). Cytogenetic location: 17q21.31.
Variant type: single nucleotide variant.
Coding change: c.4201C>T on transcript NM_007294.4 (MANE Select); coding-DNA position 4201, C replaced by T.
Protein change: p.Gln1401Ter; replaces glutamine 1401 with a stop codon.
Molecular consequence: nonsense. On other transcripts: non-coding transcript variant (1).
Genome position (GRCh38, 1-based): chr17:43,082,560, G>A on the plus strand (C>T on the coding strand, the complement: BRCA1 is on the minus strand). VCF-style: chr17-43082560-G-A. GRCh37 (hg19) VCF-style: chr17-41234577-G-A.
Other names: 4320C>T; c.3988C>T, p.Gln1330Ter (NM_001407571.1, NM_001407907.1, NM_001407908.1 and 12 more transcripts); c.4201C>T, p.Gln1401Ter (NM_001407581.1, NM_001407582.1, NM_001407583.1 and 23 more transcripts); c.4198C>T, p.Gln1400Ter (NM_001407587.1, NM_001407590.1, NM_001407591.1 and 21 more transcripts); c.4195C>T, p.Gln1399Ter (NM_001407632.1, NM_001407627.1, NM_001407628.1 and 5 more transcripts); c.4123C>T, p.Gln1375Ter (NM_001407654.1, NM_001407655.1, NM_001407657.1 and 2 more transcripts); c.4120C>T, p.Gln1374Ter (NM_001407656.1, NM_001407661.1, NM_001407662.1 and 1 more transcripts); c.4117C>T, p.Gln1373Ter (NM_001407659.1, NM_001407660.1); and 52 more; short protein forms Q1401*, Q298*, Q1354*, Q1105*, Q1232*, Q1273*, Q1373*, Q1374*.
Identifiers: ClinVar variation 55139 (VCV000055139.22), dbSNP rs397509151, ClinGen allele CA002705.